The following is an entry in ClinVar:

NM_002474.3(MYH11):c.4859A>C (p.Lys1620Thr)

Genes: MYH11 (myosin heavy chain 11; minus strand), NDE1 (nudE neurodevelopment protein 1; plus strand). Cytogenetic location: 16p13.11.
Variant type: single nucleotide variant.
Coding change: c.4859A>C on transcript NM_002474.3 (MANE Select); coding-DNA position 4859, A replaced by C.
Protein change: p.Lys1620Thr; replaces lysine 1620 with threonine.
Molecular consequence: missense variant. On other transcripts: intron variant (2).
Genome position (GRCh38, 1-based): chr16:15,720,245, T>G on the plus strand (A>C on the coding strand, the complement: MYH11 is on the minus strand). VCF-style: chr16-15720245-T-G. GRCh37 (hg19) VCF-style: chr16-15814102-T-G.
Other names: c.4880A>C, p.Lys1627Thr (NM_001040113.2, NM_001040114.2); c.4859A>C, p.Lys1620Thr (NM_022844.3); c.948-3946T>G (NM_001143979.2, NM_017668.3); short protein forms K1620T, K1627T.
Identifiers: ClinVar variation 3893722 (VCV003893722.1).

ClinVar aggregate classification (germline): Uncertain significance (1 of 4 stars; one submission).

Conditions:
Familial thoracic aortic aneurysm and aortic dissection (TAAD). Also called: Thoracic aortic aneurysms and dissections. Identifiers: Orphanet 91387, MedGen C4707243, MONDO:0019625.

Submission:

Color Diagnostics, LLC DBA Color Health
Classification: Uncertain significance for Familial thoracic aortic aneurysm and aortic dissection. Last evaluated: 2024-03-10. Review status: criteria provided, single submitter. Criteria: ACMG Guidelines, 2015. Collection method: clinical testing. Allele origin: germline.
Comment: This missense variant replaces lysine with threonine at codon 1627 of the MYH11 protein. Computational prediction suggests that this variant may have deleterious impact on protein structure and function (internally defined REVEL score threshold >= 0.7, PMID: 27666373). To our knowledge, functional studies have not been reported for this variant. This variant has not been reported in individuals affected with MYH11-related disorders in the literature. This variant has not been identified in the general population by the Genome Aggregation Database (gnomAD). The available evidence is insufficient to determine the role of this variant in disease conclusively. Therefore, this variant is classified as a Variant of Uncertain Significance.